The following is an entry in ClinVar:

ClinVar aggregate classification (germline): Uncertain significance (1 of 4 stars; one submission).

Submission:

Labcorp Genetics (formerly Invitae), Labcorp
Classification: Uncertain significance. Last evaluated: 2022-09-27. Review status: criteria provided, single submitter. Criteria: Invitae Variant Classification Sherloc (09022015). Collection method: clinical testing. Allele origin: germline.
Comment: In summary, the available evidence is currently insufficient to determine the role of this variant in disease. Therefore, it has been classified as a Variant of Uncertain Significance. Algorithms developed to predict the effect of missense changes on protein structure and function (SIFT, PolyPhen-2, Align-GVGD) all suggest that this variant is likely to be disruptive. This variant has not been reported in the literature in individuals affected with RAB11A-related conditions. This variant is not present in population databases (gnomAD no frequency). This sequence change replaces tyrosine, which is neutral and polar, with histidine, which is basic and polar, at codon 173 of the RAB11A protein (p.Tyr173His).

NM_004663.5(RAB11A):c.517T>C (p.Tyr173His)

Gene: RAB11A (RAB11A, member RAS oncogene family; plus strand). Cytogenetic location: 15q22.31.
Variant type: single nucleotide variant.
Coding change: c.517T>C on transcript NM_004663.5 (MANE Select); coding-DNA position 517, T replaced by C.
Protein change: p.Tyr173His; replaces tyrosine 173 with histidine.
Molecular consequence: missense variant. On other transcripts: intron variant (1).
Genome position (GRCh38, 1-based): chr15:65,887,706, T>C. VCF-style: chr15-65887706-T-C. GRCh37 (hg19) VCF-style: chr15-66180044-T-C.
Other names: c.440-18T>C (NM_001206836.2); short protein forms Y173H.
Identifiers: ClinVar variation 2126546 (VCV002126546.4), dbSNP rs2549038449, ClinGen allele CA392924864.